The following is an entry in ClinVar:

NM_001127222.2(CACNA1A):c.1357G>A (p.Ala453Thr)

Gene: CACNA1A (calcium voltage-gated channel subunit alpha1 A; minus strand). Cytogenetic location: 19p13.13.
Variant type: single nucleotide variant.
Coding change: c.1357G>A on transcript NM_001127222.2 (MANE Select); coding-DNA position 1357, G replaced by A.
Protein change: p.Ala453Thr; replaces alanine 453 with threonine.
Molecular consequence: missense variant.
Genome position (GRCh38, 1-based): chr19:13,317,310, C>T on the plus strand (G>A on the coding strand, the complement: CACNA1A is on the minus strand). VCF-style: chr19-13317310-C-T. GRCh37 (hg19) VCF-style: chr19-13428124-C-T.
Other names: c.1360G>A, p.Ala454Thr (NM_000068.4, NM_001127221.2, NM_001174080.2 and 1 more transcripts); c.1357G>A (NM_001127222.1); short protein forms A454T, A453T.
Identifiers: ClinVar variation 68420 (VCV000068420.65), dbSNP rs41276886, ClinGen allele CA200810.

ClinVar aggregate classification (germline): Benign/Likely benign. Review status: criteria provided, multiple submitters, no conflicts (2 of 4 stars). 18 submissions from 18 submitters: Benign (9); Likely benign (4). 5 of the submissions do not count toward it. Last evaluated 2026-09-01.

Conditions:
Episodic ataxia type 2 (EA2). Also called: ATAXIA, EPISODIC, WITH NYSTAGMUS; ATAXIA, FAMILIAL PAROXYSMAL; CEREBELLAR ATAXIA, PAROXYSMAL, ACETAZOLAMIDE-RESPONSIVE; CEREBELLOPATHY, HEREDITARY PAROXYSMAL; EPISODIC ATAXIA, NYSTAGMUS-ASSOCIATED; ACETAZOLAMIDE-RESPONSIVE HEREDITARY PAROXYSMAL CEREBELLAR ATAXIA. Identifiers: Orphanet 97, MedGen C1720416, MONDO:0007163, OMIM 108500.
Developmental and epileptic encephalopathy, 42 (DEE42A). Also called: DEVELOPMENTAL AND EPILEPTIC ENCEPHALOPATHY 42A; EPILEPTIC ENCEPHALOPATHY, EARLY INFANTILE, 42A; Epileptic encephalopathy, early infantile, 42. Identifiers: MedGen C4310716, MONDO:0014917, OMIM 617106.
CACNA1A-related disorder. Also called: CACNA1A-related condition.
Inborn genetic diseases. Identifiers: MedGen C0950123, MeSH D030342.
Spinocerebellar ataxia type 6 (SCA6). Identifiers: Orphanet 98758, MedGen C0752124, MONDO:0008457, OMIM 183086.
Migraine, familial hemiplegic, 1. Also called: MIGRAINE, FAMILIAL HEMIPLEGIC 1, WITH PROGRESSIVE CEREBELLAR ATAXIA. Identifiers: Orphanet 569, MedGen C1832884, MONDO:0020756, OMIM 141500, MONDO:0007714.

Allele frequency attached by ClinVar (database versions not stated): ESP Exome Variant Server 0.00424; gnomAD exomes 0.00447; gnomAD 0.00451 and 0.00406; ExAC 0.00477; 1000 Genomes Project 0.00180; 1000 Genomes Project 30x 0.00187; TOPMed 0.00319.
gnomAD v4.1: 8,038 of 1,600,748 alleles (0.5%); highest among the groups gnomAD compares: Non-Finnish European, 0.55%; 32 homozygotes.

Submissions (18):

CeGaT Center for Human Genetics Tuebingen
Classification: Benign. Last evaluated: 2026-09-01. Review status: criteria provided, single submitter. Criteria: CeGaT Center For Human Genetics Tuebingen Variant Classification Criteria Version 2. Collection method: clinical testing. Allele origin: germline. Affected: yes. Observed: 78 variant alleles.
Comment: CACNA1A: BS1, BS2

Women's Health and Genetics/Laboratory Corporation of America, LabCorp
Classification: Likely benign. Last evaluated: 2026-05-15. Review status: criteria provided, single submitter. Criteria: LabCorp Variant Classification Summary - May 2015. Collection method: clinical testing. Allele origin: germline.

Labcorp Genetics (formerly Invitae), Labcorp
Classification: Benign for Developmental and epileptic encephalopathy, 42; Episodic ataxia type 2. Last evaluated: 2026-02-03. Review status: criteria provided, single submitter. Criteria: Invitae Variant Classification Sherloc (09022015). Collection method: clinical testing. Allele origin: germline.

Blueprint Genetics
Classification: Likely benign. Last evaluated: 2024-11-26. Review status: criteria provided, single submitter. Criteria: ACMG Guidelines, 2015. Collection method: clinical testing. Allele origin: germline.

Mayo Clinic Laboratories, Mayo Clinic
Classification: Benign. Last evaluated: 2024-03-11. Review status: criteria provided, single submitter. Criteria: ACMG Guidelines, 2015. Collection method: clinical testing. Allele origin: germline. Observed: 12 variant alleles.
Comment: BA1, BS1, BS2

Fulgent Genetics
Classification: Likely benign for Episodic ataxia type 2; Migraine, familial hemiplegic, 1; Spinocerebellar ataxia type 6; Developmental and epileptic encephalopathy, 42. Last evaluated: 2022-01-10. Review status: criteria provided, single submitter. Criteria: ACMG Guidelines, 2015. Collection method: clinical testing. Allele origin: unknown.

Mendelics
Classification: Benign for Episodic ataxia type 2. Last evaluated: 2019-05-28. Review status: criteria provided, single submitter. Criteria: Mendelics Assertion Criteria 2017. Collection method: clinical testing. Allele origin: unknown.

Athena Diagnostics
Classification: Benign. Last evaluated: 2017-09-18. Review status: criteria provided, single submitter. Criteria: Athena Diagnostics Criteria. Collection method: clinical testing. Allele origin: germline.

Laboratory for Molecular Medicine, Mass General Brigham Personalized Medicine
Classification: Benign. Last evaluated: 2016-10-31. Review status: criteria provided, single submitter. Criteria: LMM Criteria. Collection method: clinical testing. Allele origin: germline.
Comment: Variant identified in a genome or exome case(s) and assessed due to predicted null impact of the variant or pathogenic assertions in the literature or databases. Disclaimer: This variant has not undergone full assessment. The following are preliminary notes: This variant is present in ExAC at a MaxMAF of 2% in Finnish chromosomes. It is classified in ClinVar with 1 star as Benign by Emory and Likely Benign by UniProtKB/Swiss-Prot. It was seen in one family with Familial hemiplegic migraine (segregated in 1 relative) and was associated with the absence of sensorimotor symptoms in a migraine with aura. In the same paper, authors show via in vitro studies that this variant affected protein function. If this variant plays any role in disease, its frequnecy is too high to be a Mendelian variant.

Center for Pediatric Genomic Medicine, Children's Mercy Hospital and Clinics
Classification: Likely benign. Last evaluated: 2016-09-26. Review status: criteria provided, single submitter. Criteria: ACMG Guidelines, 2015. Collection method: clinical testing. Allele origin: germline.
ClinVar note: Converted during submission from Likely Benign to Likely benign.

GeneDx
Classification: Benign. Last evaluated: 2016-09-16. Review status: criteria provided, single submitter. Criteria: GeneDx Variant Classification (06012015). Collection method: clinical testing. Allele origin: germline. Affected: yes.
Comment: This variant is considered likely benign or benign based on one or more of the following criteria: it is a conservative change, it occurs at a poorly conserved position in the protein, it is predicted to be benign by multiple in silico algorithms, and/or has population frequency not consistent with disease.

Ambry Genetics
Classification: Benign for Inborn genetic diseases. Last evaluated: 2016-09-13. Review status: criteria provided, single submitter. Criteria: Ambry Variant Classification Scheme 2023. Collection method: clinical testing. Allele origin: germline.

Eurofins Ntd Llc (ga)
Classification: Benign. Last evaluated: 2014-10-31. Review status: criteria provided, single submitter. Criteria: EGL Classification Definitions 2015. Collection method: clinical testing. Allele origin: germline. Observed: 5 variant alleles, 5 heterozygotes.

PreventionGenetics, part of Exact Sciences
Classification: Likely benign for CACNA1A-related condition. Last evaluated: 2020-07-23. Review status: no assertion criteria provided. Collection method: clinical testing. Allele origin: germline. Not counted in ClinVar's aggregate classification.
Comment: This variant is classified as likely benign based on ACMG/AMP sequence variant interpretation guidelines (Richards et al. 2015 PMID: 25741868, with internal and published modifications).

Clinical Genetics DNA and cytogenetics Diagnostics Lab, Erasmus MC, Erasmus Medical Center
Classification: Benign. Review status: no assertion criteria provided. Collection method: clinical testing. Allele origin: germline. Affected: yes. Study: VKGL Data-share Consensus. Not counted in ClinVar's aggregate classification.

Diagnostic Laboratory, Department of Genetics, University Medical Center Groningen
Classification: Likely benign. Review status: no assertion criteria provided. Collection method: clinical testing. Allele origin: germline. Affected: yes. Study: VKGL Data-share Consensus. Not counted in ClinVar's aggregate classification.

Genome Diagnostics Laboratory, University Medical Center Utrecht
Classification: Likely benign. Review status: no assertion criteria provided. Collection method: clinical testing. Allele origin: germline. Affected: yes. Study: VKGL Data-share Consensus. Not counted in ClinVar's aggregate classification.

UniProtKB/Swiss-Prot
Classification: Likely benign. Review status: no assertion criteria provided. Collection method: not provided. Allele origin: unknown. Not counted in ClinVar's aggregate classification.
ClinVar note: Converted during submission from likely benign to Likely benign.

Literature cited by the submitters: PubMed 17292920 (cited by Athena Diagnostics); PubMed 20080591 (cited by Athena Diagnostics); PubMed 24996492 (cited by Athena Diagnostics); PubMed 17588611 (cited by Athena Diagnostics); PubMed 26716990 (cited by Athena Diagnostics); PubMed 8898206 (cited by Athena Diagnostics); PubMed 21734179 (cited by Athena Diagnostics); PubMed 25851414 (cited by Athena Diagnostics); PubMed 9329229 (cited by Athena Diagnostics); PubMed 23183922 (cited by Athena Diagnostics); PubMed 22784462 (cited by Athena Diagnostics).